The following is an entry in ClinVar:

ClinVar aggregate classification (germline): Uncertain significance (1 of 4 stars; one submission).

Submission:

GeneDx
Classification: Uncertain significance. Last evaluated: 2019-05-06. Review status: criteria provided, single submitter. Criteria: GeneDx Variant Classification Process June 2021. Collection method: clinical testing. Allele origin: germline. Affected: yes.
Comment: Not observed in large population cohorts (Lek et al., 2016); In silico analysis, which includes protein predictors and evolutionary conservation, supports a deleterious effect; Has not been previously published as pathogenic or benign to our knowledge

NM_000170.3(GLDC):c.2212T>G (p.Cys738Gly)

Gene: GLDC (glycine decarboxylase; minus strand). Cytogenetic location: 9p24.1.
Variant type: single nucleotide variant.
Coding change: c.2212T>G on transcript NM_000170.3 (MANE Select); coding-DNA position 2212, T replaced by G.
Protein change: p.Cys738Gly; replaces cysteine 738 with glycine.
Molecular consequence: missense variant.
Genome position (GRCh38, 1-based): chr9:6,554,772, A>C on the plus strand (T>G on the coding strand, the complement: GLDC is on the minus strand). VCF-style: chr9-6554772-A-C. GRCh37 (hg19) VCF-style: chr9-6554772-A-C.
Other names: short protein forms C738G.
Identifiers: ClinVar variation 1305587 (VCV001305587.2), dbSNP rs375850752, ClinGen allele CA372880408.